The following is an entry in ClinVar:

ClinVar aggregate classification (germline): Benign/Likely benign. Review status: criteria provided, multiple submitters, no conflicts (2 of 4 stars). 4 submissions from 4 submitters: Benign (1); Likely benign (3). Last evaluated 2026-01-01.

Conditions:
Peeling skin syndrome 1 (PSS1). Also called: KERATOLYSIS EXFOLIATIVA CONGENITA; SKIN PEELING, FAMILIAL CONTINUOUS GENERALIZED; Peeling skin syndrome type B. Identifiers: Orphanet 263543, Orphanet 263553, MedGen C5679693, MONDO:0024548, OMIM 270300.
Hypotrichosis 2 (HYPT2). Also called: HYPOTRICHOSIS, SPANISH TYPE; HYPOTRICHOSIS SIMPLEX OF THE SCALP 1. Identifiers: Orphanet 90368, MedGen C1840299, MONDO:0007805, OMIM 146520.

Allele frequency attached by ClinVar (database versions not stated): gnomAD exomes 0.00207 and 0.00168; gnomAD 0.00214 and 0.00226; ESP Exome Variant Server 0.00047; TOPMed 0.00116; 1000 Genomes Project 0.00120; 1000 Genomes Project 30x 0.00125; ExAC 0.00198.
gnomAD v4.1: 2,740 of 1,612,108 alleles (0.17%); highest among the groups gnomAD compares: Non-Finnish European, 0.16%; 8 homozygotes.

Submissions (4):

CeGaT Center for Human Genetics Tuebingen
Classification: Likely benign. Last evaluated: 2026-01-01. Review status: criteria provided, single submitter. Criteria: CeGaT Center For Human Genetics Tuebingen Variant Classification Criteria Version 2. Collection method: clinical testing. Allele origin: germline. Affected: yes. Observed: 2 variant alleles.
Comment: CDSN: BP4, BP7

Labcorp Genetics (formerly Invitae), Labcorp
Classification: Benign. Last evaluated: 2025-12-01. Review status: criteria provided, single submitter. Criteria: Invitae Variant Classification Sherloc (09022015). Collection method: clinical testing. Allele origin: germline.

Blueprint Genetics
Classification: Likely benign. Last evaluated: 2024-11-26. Review status: criteria provided, single submitter. Criteria: ACMG Guidelines, 2015. Collection method: clinical testing. Allele origin: germline.

Fulgent Genetics
Classification: Likely benign for Hypotrichosis 2; Peeling skin syndrome 1. Last evaluated: 2021-07-15. Review status: criteria provided, single submitter. Criteria: ACMG Guidelines, 2015. Collection method: clinical testing. Allele origin: unknown.

NM_001264.5(CDSN):c.1525C>T (p.Leu509=)

Genes: CDSN (corneodesmosin; minus strand), PSORS1C1 (psoriasis susceptibility 1 candidate 1; plus strand). Cytogenetic location: 6p21.33.
Variant type: single nucleotide variant.
Coding change: c.1525C>T on transcript NM_001264.5 (MANE Select); coding-DNA position 1525, C replaced by T.
Protein change: p.Leu509=; no amino-acid change (leucine 509 retained).
Molecular consequence: synonymous variant. On other transcripts: intron variant (1).
Genome position (GRCh38, 1-based): chr6:31,116,090, G>A on the plus strand (C>T on the coding strand, the complement: CDSN is on the minus strand). VCF-style: chr6-31116090-G-A. GRCh37 (hg19) VCF-style: chr6-31083867-G-A.
Other names: c.-229+1199G>A (NM_014068.3).
Identifiers: ClinVar variation 716000 (VCV000716000.29), dbSNP rs150958659, ClinGen allele CA3708295.
Genomic context (GRCh38, chr6:31,116,090, plus strand): 5'-GACTGTTGAGTAACTCTCCTTGGGGTAGGAAAACTTCAGGGTCAGCTAGCTGGGGCCCCA[G>A]AGGCTTCACTTGGGCTAGGATATCCCGGATGGAGCGGCAGGGGATCTTTCCAGCACTGCT-3'
Protein context (NP_001255.4, residues 499-519): IRDILAQVKP[Leu509=]GPQLADPEVF